The following is an entry in ClinVar:

NM_002971.6(SATB1):c.190A>G (p.Met64Val)

Gene: SATB1 (SATB homeobox 1; minus strand). Cytogenetic location: 3p24.3.
Variant type: single nucleotide variant.
Coding change: c.190A>G on transcript NM_002971.6 (MANE Select); coding-DNA position 190, A replaced by G.
Protein change: p.Met64Val; replaces methionine 64 with valine.
Molecular consequence: missense variant. On other transcripts: intron variant (1).
Genome position (GRCh38, 1-based): chr3:18,420,778, T>C on the plus strand (A>G on the coding strand, the complement: SATB1 is on the minus strand). VCF-style: chr3-18420778-T-C. GRCh37 (hg19) VCF-style: chr3-18462270-T-C.
Other names: c.190A>G, p.Met64Val (NM_001131010.4, NM_001195470.3, NM_001322871.2 and 4 more transcripts); c.-5-3700A>G (NM_001322876.2); short protein forms M64V.
Identifiers: ClinVar variation 5010045 (VCV005010045.1).

ClinVar aggregate classification (germline): Uncertain significance (1 of 4 stars; one submission).

Submission:

GeneDx
Classification: Uncertain significance. Last evaluated: 2026-02-23. Review status: criteria provided, single submitter. Criteria: GeneDx Variant Classification Process June 2021. Collection method: clinical testing. Allele origin: germline.
Comment: Not observed at significant frequency in large population cohorts (gnomAD); In silico analysis suggests that this missense variant does not alter protein structure/function; Has not been previously published as pathogenic or benign to our knowledge